The following is an entry in ClinVar:

ClinVar aggregate classification (germline): Conflicting classifications of pathogenicity. Review status: criteria provided, conflicting classifications (1 of 4 stars). 2 submissions from 2 submitters: Likely pathogenic (1); Uncertain significance (1). Last evaluated 2023-07-10.

Conditions:
Hereditary cancer-predisposing syndrome. Also called: Neoplastic Syndromes, Hereditary; Tumor predisposition; Hereditary Cancer Syndrome; Hereditary neoplastic syndrome. Identifiers: Orphanet 140162, MedGen C0027672, MeSH D009386, MONDO:0015356.

Submissions (2):

Color Diagnostics, LLC DBA Color Health
Classification: Likely pathogenic for Hereditary cancer-predisposing syndrome. Last evaluated: 2023-07-10. Review status: criteria provided, single submitter. Criteria: ACMG Guidelines, 2015. Collection method: clinical testing. Allele origin: germline.
Comment: This variant inserts 4 nucleotides in exon 20 of the BRIP1 gene, creating a frameshift and premature translation stop signal in the last exon. This variant is expected to escape nonsense-mediated decay and be expressed as a truncated protein that lacks the functional domains involved in BRCA1-binding, DNA damage and replication stress responses and attenuation of DNA damage tolerance pathway (PMID: 11301010, 14983014, 20159562, 20173781, 22792074). To our knowledge, this variant has not been reported in individuals affected with hereditary cancer in the literature. This variant has not been identified in the general population by the Genome Aggregation Database (gnomAD). Multiple truncation variants that occur downstream of this variant are reported as disease-causing in ClinVar (e.g., c.3390_3393del (p.Tyr1131Leufs*18), ClinVar Variation ID: 229712). Loss of BRIP1 function is a known mechanism of disease. Based on the available evidence, this variant is classified as Likely Pathogenic.

Ambry Genetics
Classification: Uncertain significance for Hereditary cancer-predisposing syndrome. Last evaluated: 2022-11-16. Review status: criteria provided, single submitter. Criteria: Ambry Variant Classification Scheme 2023. Collection method: clinical testing. Allele origin: germline.
Comment: The c.3125_3128dupAAAG variant, located in coding exon 19 of the BRIP1 gene, results from a duplication of AAAG at nucleotide position 3125, causing a translational frameshift with a predicted alternate stop codon (p.S1043Rfs*3). This alteration occurs at the 3' terminus of theBRIP1 gene, is not expected to trigger nonsense-mediated mRNAdecay, and only impacts the last 207 amino acids of the protein. The exact functional effect of this alteration is unknown. This variant is considered to be rare based on population cohorts in the Genome Aggregation Database (gnomAD). Since supporting evidence is limited at this time, the clinical significance of this alteration remains unclear.

Literature cited by the submitters: PubMed 11301010 (cited by Color Diagnostics, LLC DBA Color Health); PubMed 14983014 (cited by Color Diagnostics, LLC DBA Color Health); PubMed 20159562 (cited by Color Diagnostics, LLC DBA Color Health); PubMed 20173781 (cited by Color Diagnostics, LLC DBA Color Health); PubMed 22792074 (cited by Color Diagnostics, LLC DBA Color Health).

NM_032043.3(BRIP1):c.3125_3128dup (p.Ser1043fs)

Gene: BRIP1 (BRCA1 interacting DNA helicase 1; minus strand). Cytogenetic location: 17q23.2.
Variant type: Duplication.
Coding change: c.3125_3128dup on transcript NM_032043.3 (MANE Select); coding-DNA positions 3125 to 3128, 4 bases duplicated (AAAG; older notation c.3125_3128dupAAAG).
Protein change: p.Ser1043fs; shifts the reading frame from serine 1043.
Molecular consequence: frameshift variant.
Genome position (GRCh38, 1-based): chr17:61,683,918-61,683,921, CTTT duplicated on the plus strand (AAAG on the coding strand, the reverse complement: BRIP1 is on the minus strand); duplicating any 4 consecutive bases within chr17:61,683,918-61,683,922 gives the same sequence; the c. name uses the placement nearest the transcript's 3' end. VCF-style (leftmost placement, unchanged base first): chr17-61683917-A-ACTTT. GRCh37 (hg19) VCF-style: chr17-59761278-A-ACTTT.
Other names: c.3125_3128dupAAAG (NM_032043.2); short protein forms S1043fs.
Identifiers: ClinVar variation 920707 (VCV000920707.7), dbSNP rs2061318885, ClinGen allele CA913187818.